The following is an entry in ClinVar:

ClinVar aggregate classification (germline): Likely pathogenic. Review status: reviewed by expert panel (3 of 4 stars). 3 submissions from 3 submitters: Likely pathogenic (1). 2 of the submissions do not count toward it. Last evaluated 2019-05-10.

Conditions:
RASopathy. Also called: rasopathies; Noonan spectrum disorder. Identifiers: Orphanet 536391, MedGen C5555857, MONDO:0021060.
Noonan syndrome and Noonan-related syndrome. Identifiers: Orphanet 98733, MedGen C5681679, MONDO:0020297.

Allele frequency attached by ClinVar (database versions not stated): TOPMed below 0.00001; gnomAD 0.00001.
gnomAD v4.1: 1 of 1,613,642 alleles (0.000062%); highest among the groups gnomAD compares: Admixed American, 0.0017%; no homozygotes.

Submissions (3):

ClinGen RASopathy Variant Curation Expert Panel
Classification: Likely pathogenic for Noonan syndrome and Noonan-related syndrome. Last evaluated: 2019-05-10. Review status: reviewed by expert panel. Criteria: ClinGen RASopathy ACMG Specifications v1. Collection method: curation. Allele origin: germline. Inheritance: Autosomal dominant inheritance.
Comment: The c.1654A>T (p.Arg552Trp) variant has been identified in 1 patient with clinical features of a RASopathy (PS4_Supporting; PMID: 22465605). This variant was absent from large population studies (PM2; gnomAD). Of note this p.Arg552 residue is defined as a hotspot by the RAS VCEP. This variant would have received PM5_Strong but the RAS EP decided that PM1 and PM5 cannot be used simultaneously and therefore the PM1 rule has been upgraded with expert judgement (PM1_Strong). Computational prediction tools and conservation analysis suggest that the p.Arg552Trp variant may impact the protein (PP3). The variant is located in the SOS1 gene, which has been defined by the ClinGen RASopathy Expert Panel as a gene with a low rate of benign missense variants and pathogenic missense variants are common (PP2; PMID: 29493581). In summary, this variant meets criteria to be classified as pathogenic for RASopathies in an autosomal dominant manner. Rasopathy-specific ACMG/AMP criteria applied (PMID:29493581): PS4_Supporting, PM2, PM1_Strong, PP2, PP3.

Labcorp Genetics (formerly Invitae), Labcorp
Classification: Likely pathogenic for RASopathy. Last evaluated: 2024-12-09. Review status: criteria provided, single submitter. Criteria: Invitae Variant Classification Sherloc (09022015). Collection method: clinical testing. Allele origin: germline. Not counted in ClinVar's aggregate classification.
Comment: This sequence change replaces arginine, which is basic and polar, with tryptophan, which is neutral and slightly polar, at codon 552 of the SOS1 protein (p.Arg552Trp). This variant is not present in population databases (gnomAD no frequency). This missense change has been observed in individuals with clinical features of Noonan syndrome (PMID: 22465605, 31219622; internal data). ClinVar contains an entry for this variant (Variation ID: 372656). Invitae Evidence Modeling of protein sequence and biophysical properties (such as structural, functional, and spatial information, amino acid conservation, physicochemical variation, residue mobility, and thermodynamic stability) indicates that this missense variant is expected to disrupt SOS1 protein function with a positive predictive value of 80%. This variant disrupts the p.Arg552 amino acid residue in SOS1. Other variant(s) that disrupt this residue have been determined to be pathogenic (PMID: 17143282, 17586837, 18651097, 18854871). This suggests that this residue is clinically significant, and that variants that disrupt this residue are likely to be disease-causing. In summary, the currently available evidence indicates that the variant is pathogenic, but additional data are needed to prove that conclusively. Therefore, this variant has been classified as Likely Pathogenic.

GeneDx
Classification: Pathogenic. Last evaluated: 2015-08-03. Review status: criteria provided, single submitter. Criteria: GeneDx Variant Classification (06012015). Collection method: clinical testing. Allele origin: germline. Affected: yes. Not counted in ClinVar's aggregate classification.
Comment: The R552W in the SOS1 gene has been reported in one family in association with pulmonary stenosis and Noonan syndrome (Ezquieta et al., 2012). Additionally, the R552W variant was not observed in approximately 6,500 individuals of European and African American ancestry in the NHLBI Exome Sequencing Project, indicating it is not a common benign variant in these populations. R552W results in a non-conservative amino acid substitution at a position that is conserved across species. Several other missense variants have been reported in the same residue (R552G, R552T, G552K, R552M, R552S) suggesting this residue is a hotspot", and this residue has been shown to be structurally important (Lepri et al., 2011). Furthermore, missense variants in nearby residues (S548R, T549K, L550P) have been reported in the Human Gene Mutation Database in association with SOS1-related disorders (Stenson et al., 2014), further supporting the functional importance of this residue and this region of the protein.In summary, R552W in the SOS1 gene is interpreted as a disease-causing variant"

Literature cited by the submitters: PubMed 22465605 (cited by ClinGen RASopathy Variant Curation Expert Panel and Labcorp Genetics (formerly Invitae), Labcorp); PubMed 31219622 (cited by Labcorp Genetics (formerly Invitae), Labcorp); PubMed 17143282 (cited by Labcorp Genetics (formerly Invitae), Labcorp); PubMed 17586837 (cited by Labcorp Genetics (formerly Invitae), Labcorp); PubMed 18651097 (cited by Labcorp Genetics (formerly Invitae), Labcorp); PubMed 18854871 (cited by Labcorp Genetics (formerly Invitae), Labcorp).

NM_005633.4(SOS1):c.1654A>T (p.Arg552Trp)

Gene: SOS1 (SOS Ras/Rac guanine nucleotide exchange factor 1; minus strand). Cytogenetic location: 2p22.1.
Variant type: single nucleotide variant.
Coding change: c.1654A>T on transcript NM_005633.4 (MANE Select); coding-DNA position 1654, A replaced by T.
Protein change: p.Arg552Trp; replaces arginine 552 with tryptophan.
Molecular consequence: missense variant.
Genome position (GRCh38, 1-based): chr2:39,022,774, T>A on the plus strand (A>T on the coding strand, the complement: SOS1 is on the minus strand). VCF-style: chr2-39022774-T-A. GRCh37 (hg19) VCF-style: chr2-39249915-T-A.
Other names: NM_005633.3(SOS1):c.1654A>T; c.1633A>T, p.Arg545Trp (NM_001382394.1); c.1654A>T, p.Arg552Trp (NM_001382395.1); short protein forms R552W, R545W.
Identifiers: ClinVar variation 372656 (VCV000372656.6), dbSNP rs137852814, ClinGen allele CA16042455.
Genomic context (GRCh38, chr2:39,022,774, plus strand): 5'-CACTAGGCAGCCTCATCTGCTCCTCTTTCTCTTCCTGTAGCATTGTTACATCAAGCATCC[T>A]TTCCAGTGTACTCCGGTACTGTAAAGATATCAATGCTGCCATCCAATTGTTTTTCTCTTC-3'
Protein context (NP_005624.2, residues 542-562): ISLQYRSTLE[Arg552Trp]MLDVTMLQEE